The following is an entry in ClinVar:

ClinVar aggregate classification (germline): Uncertain significance (1 of 4 stars; one submission).

Submission:

Labcorp Genetics (formerly Invitae), Labcorp
Classification: Uncertain significance. Last evaluated: 2025-11-10. Review status: criteria provided, single submitter. Criteria: Invitae Variant Classification Sherloc (09022015). Collection method: clinical testing. Allele origin: germline.
Comment: This variant, c.5713_5718del, results in the deletion of 2 amino acid(s) of the SPEG protein (p.Trp1905_Val1906del), but otherwise preserves the integrity of the reading frame. This variant is not present in population databases (gnomAD no frequency). This variant has not been reported in the literature in individuals affected with SPEG-related conditions. ClinVar contains an entry for this variant (Variation ID: 2024153). Experimental studies and prediction algorithms are not available or were not evaluated, and the functional significance of this variant is currently unknown. In summary, the available evidence is currently insufficient to determine the role of this variant in disease. Therefore, it has been classified as a Variant of Uncertain Significance.

NM_005876.5(SPEG):c.5713_5718del (p.Trp1905_Val1906del)

Genes: ASIC4-AS1 (ASIC4 antisense RNA 1; minus strand), SPEG (striated muscle enriched protein kinase; plus strand). Cytogenetic location: 2q35.
Variant type: Deletion.
Coding change: c.5713_5718del on transcript NM_005876.5 (MANE Select); coding-DNA positions 5713 to 5718, 6 bases deleted (TGGGTG; older notation c.5713_5718delTGGGTG).
Protein change: p.Trp1905_Val1906del.
Molecular consequence: inframe deletion.
Genome position (GRCh38, 1-based): chr2:219,483,176-219,483,181, TGGGTG deleted; deleting any 6 consecutive bases within chr2:219,483,171-219,483,181 gives the same sequence; the c. name uses the placement nearest the transcript's 3' end. VCF-style (leftmost placement, unchanged base first): chr2-219483170-CGGGTGT-C. GRCh37 (hg19) VCF-style: chr2-220347892-CGGGTGT-C.
Identifiers: ClinVar variation 2024153 (VCV002024153.4), dbSNP rs2545923150, ClinGen allele CA2580065776.